The following is an entry in ClinVar:

ClinVar aggregate classification (germline): Likely benign. Review status: criteria provided, multiple submitters, no conflicts (2 of 4 stars). 2 submissions from 2 submitters: Likely benign (2). Last evaluated 2024-10-30.

Conditions:
Prostate cancer, hereditary, 9 (HPC9). Identifiers: Orphanet 1331, MedGen C1970250, MONDO:0012597, OMIM 610997.

Allele frequency attached by ClinVar (database versions not stated): gnomAD exomes below 0.00001; ExAC 0.00001.
gnomAD v4.1: 2 of 1,602,834 alleles (0.00012%); highest among the groups gnomAD compares: Non-Finnish European, 0.00017%; no homozygotes.

Submissions (2):

Myriad Genetics, Inc.
Classification: Likely benign for Prostate cancer, hereditary, 9. Last evaluated: 2024-10-30. Review status: criteria provided, single submitter. Criteria: Myriad Autosomal Dominant, Autosomal Recessive and X-Linked Classification Criteria (2023). Collection method: clinical testing. Allele origin: unknown.
Comment: This variant is considered likely benign. This variant is intronic and is not expected to impact mRNA splicing.

Labcorp Genetics (formerly Invitae), Labcorp
Classification: Likely benign. Last evaluated: 2024-10-16. Review status: criteria provided, single submitter. Criteria: Invitae Variant Classification Sherloc (09022015). Collection method: clinical testing. Allele origin: germline.

NM_006361.6(HOXB13):c.602-11A>G

Gene: HOXB13 (homeobox B13; minus strand). Cytogenetic location: 17q21.32.
Variant type: single nucleotide variant.
Coding change: c.602-11A>G on transcript NM_006361.6 (MANE Select); 11 bases into the intron before coding-DNA position 602, A replaced by G.
Molecular consequence: intron variant.
Genome position (GRCh38, 1-based): chr17:48,727,054, T>C on the plus strand (A>G on the coding strand, the complement: HOXB13 is on the minus strand). VCF-style: chr17-48727054-T-C. GRCh37 (hg19) VCF-style: chr17-46804416-T-C.
Identifiers: ClinVar variation 2186599 (VCV002186599.5), dbSNP rs749553801, ClinGen allele CA8633947.